The following is an entry in ClinVar:

NM_000218.3(KCNQ1):c.776G>C (p.Arg259Pro)

Gene: KCNQ1 (potassium voltage-gated channel subfamily Q member 1; plus strand). Cytogenetic location: 11p15.5.
Variant type: single nucleotide variant.
Coding change: c.776G>C on transcript NM_000218.3 (MANE Select); coding-DNA position 776, G replaced by C.
Protein change: p.Arg259Pro; replaces arginine 259 with proline.
Molecular consequence: missense variant.
Genome position (GRCh38, 1-based): chr11:2,572,105, G>C. VCF-style: chr11-2572105-G-C. GRCh37 (hg19) VCF-style: chr11-2593335-G-C.
Other names: c.776G>C, p.Arg259Pro (NM_001406836.1); c.506G>C, p.Arg169Pro (NM_001406837.1); c.395G>C, p.Arg132Pro (NM_181798.2); short protein forms R259P, R132P, R169P.
Identifiers: ClinVar variation 869436 (VCV000869436.5), dbSNP rs199472720, ClinGen allele CA379131104.

ClinVar aggregate classification (germline): Pathogenic/Likely pathogenic. Review status: criteria provided, multiple submitters, no conflicts (2 of 4 stars). 2 submissions from 2 submitters: Pathogenic (1); Likely pathogenic (1). Last evaluated 2019-09-10.

Conditions:
Atrial fibrillation, familial, 3 (ATFB3). Identifiers: MedGen C1837014, MONDO:0011857, OMIM 607554.
Short QT syndrome type 2. Identifiers: Orphanet 51083, MedGen C1865019, MONDO:0012313, OMIM 609621.
Jervell and Lange-Nielsen syndrome 1 (JLNS1). Also called: CARDIOAUDITORY SYNDROME OF JERVELL AND LANGE-NIELSEN; DEAFNESS, CONGENITAL, AND FUNCTIONAL HEART DISEASE; PROLONGED QT INTERVAL IN EKG AND SUDDEN DEATH; SURDO-CARDIAC SYNDROME. Identifiers: Orphanet 768, Orphanet 90647, MedGen C4551509, MONDO:0024540, OMIM 220400.
Long QT syndrome 1 (LQT1). Identifiers: Orphanet 101016, Orphanet 768, MedGen C4551647, MONDO:0100316, OMIM 192500, MONDO:0008646.

Submissions (2):

MVZ Martinsried, Medicover Genetics
Classification: Likely pathogenic for Long QT syndrome 1. Last evaluated: 2019-09-10. Review status: criteria provided, single submitter. Criteria: ACMG Guidelines, 2015. Collection method: clinical testing. Allele origin: unknown. Affected: yes.

Juno Genomics, Hangzhou Juno Genomics, Inc
Classification: Pathogenic for Long QT syndrome 1; Atrial fibrillation, familial, 3; Jervell and Lange-Nielsen syndrome 1; Short QT syndrome type 2. Review status: criteria provided, single submitter. Criteria: ACMG Guidelines, 2015. Collection method: clinical testing. Allele origin: germline.
Comment: Absent from controls (or at extremely low frequency if recessive) in Genome Aggregation Database.;The prevalence of the variant in affected individuals is significantly increased compared to the prevalence in controls.;Well-established in vitro or in vivo functional studies supportive of a damaging effect on the gene or gene product.;Novel missense change at an amino acid residue where a different missense change determined to be pathogenic has been seen before.